The following is an entry in ClinVar:

ClinVar aggregate classification (germline): Likely benign. Review status: criteria provided, multiple submitters, no conflicts (2 of 4 stars). 2 submissions from 2 submitters: Likely benign (2). Last evaluated 2025-05-12.

Conditions:
CRB1-related disorder. Also called: CRB1-related condition; CRB1-related disorders.
Retinitis pigmentosa 12 (RP12). Also called: RP WITH OR WITHOUT PPRPE; RP WITH OR WITHOUT PRESERVED PARAARTERIOLE RETINAL PIGMENT EPITHELIUM; RETINITIS PIGMENTOSA WITH OR WITHOUT PARAARTERIOLAR PRESERVATION OF RETINAL PIGMENT EPITHELIUM. Identifiers: Orphanet 791, MedGen C1838647, MONDO:0010818, OMIM 600105.
Leber congenital amaurosis 8 (LCA8). Identifiers: Orphanet 65, MedGen C3151202, MONDO:0013453, OMIM 613835.

Allele frequency attached by ClinVar (database versions not stated): ExAC 0.00001; gnomAD exomes 0.00002; gnomAD 0.00012; TOPMed 0.00025.
gnomAD v4.1: 30 of 1,613,758 alleles (0.0019%); highest among the groups gnomAD compares: Admixed American, 0.04%; no homozygotes.

Submissions (2):

Labcorp Genetics (formerly Invitae), Labcorp
Classification: Likely benign for Leber congenital amaurosis 8; Retinitis pigmentosa 12. Last evaluated: 2025-05-12. Review status: criteria provided, single submitter. Criteria: Invitae Variant Classification Sherloc (09022015). Collection method: clinical testing. Allele origin: germline.

PreventionGenetics, part of Exact Sciences
Classification: Likely benign for CRB1-related condition. Last evaluated: 2024-10-21. Review status: criteria provided, single submitter. Criteria: ACMG Guidelines, 2015. Collection method: clinical testing. Allele origin: germline.
Comment: This variant is classified as likely benign based on ACMG/AMP sequence variant interpretation guidelines (Richards et al. 2015 PMID: 25741868, with internal and published modifications).

NM_201253.3(CRB1):c.4071G>A (p.Leu1357=)

Gene: CRB1 (crumbs cell polarity complex component 1; plus strand). Cytogenetic location: 1q31.3.
Variant type: single nucleotide variant.
Coding change: c.4071G>A on transcript NM_201253.3 (MANE Select); coding-DNA position 4071, G replaced by A.
Protein change: p.Leu1357=; no amino-acid change (leucine 1357 retained).
Molecular consequence: synonymous variant. On other transcripts: non-coding transcript variant (2).
Genome position (GRCh38, 1-based): chr1:197,477,729, G>A. VCF-style: chr1-197477729-G-A. GRCh37 (hg19) VCF-style: chr1-197446859-G-A.
Other names: c.3735G>A, p.Leu1245= (NM_001193640.2); c.3999G>A, p.Leu1333= (NM_001257965.2); c.2463G>A, p.Leu821= (NM_001257966.2); c.4071G>A (NM_201253.2).
Identifiers: ClinVar variation 1158376 (VCV001158376.10), dbSNP rs765722225, ClinGen allele CA1312550.